The following is an entry in ClinVar:

ClinVar aggregate classification (germline): Uncertain significance (1 of 4 stars; one submission).

Allele frequency attached by ClinVar (database versions not stated): ExAC 0.00001; gnomAD 0.00001; gnomAD exomes 0.00002; TOPMed 0.00002.
gnomAD v4.1: 27 of 1,610,384 alleles (0.0017%); highest among the groups gnomAD compares: South Asian, 0.0033%; 1 homozygote.

Submission:

GeneDx
Classification: Uncertain significance. Last evaluated: 2014-10-08. Review status: criteria provided, single submitter. Criteria: GeneDx Variant Classification (06012015). Collection method: clinical testing. Allele origin: germline. Affected: yes.
Comment: Missense variants in the TTN gene are considered 'unclassified' if they are not previously reported in the literature and do not have >1% frequency in the population to be considered a polymorphism. Research indicates that truncating mutations in the TTN gene are expected to account for approximately 25% of familial and 18% of sporadic idiopathic DCM; however, truncating variants in the TTN gene have been reported in approximately 3% of reported control alleles. There has been little investigation into non-truncating variants. (Herman D et al. Truncations of titin causing dilated cardiomyopathy. N Eng J Med 366:619-628, 2012) The variant is found in CARDIOMYOPATHY panel(s).

NM_001267550.2(TTN):c.22243C>T (p.Arg7415Cys)

Gene: TTN (titin; minus strand). Cytogenetic location: 2q31.2.
Variant type: single nucleotide variant.
Coding change: c.22243C>T on transcript NM_001267550.2 (MANE Select); coding-DNA position 22243, C replaced by T.
Protein change: p.Arg7415Cys; replaces arginine 7415 with cysteine.
Molecular consequence: missense variant. On other transcripts: intron variant (3).
Genome position (GRCh38, 1-based): chr2:178,722,544, G>A on the plus strand (C>T on the coding strand, the complement: TTN is on the minus strand). VCF-style: chr2-178722544-G-A. GRCh37 (hg19) VCF-style: chr2-179587271-G-A.
Other names: p.R7098C:CGC>TGC; c.21292C>T, p.Arg7098Cys (NM_001256850.1); c.18511C>T, p.Arg6171Cys (NM_133378.4); c.13282+15538C>T (NM_003319.4); c.13858+15538C>T (NM_133437.4); c.13657+15538C>T (NM_133432.3); short protein forms R7098C, R7415C, R6171C.
Identifiers: ClinVar variation 203310 (VCV000203310.2), dbSNP rs756455602, ClinGen allele CA311998.